The following is an entry in ClinVar:

NM_000245.4(MET):c.1902C>G (p.Phe634Leu)

Gene: MET (MET proto-oncogene, receptor tyrosine kinase; plus strand). Cytogenetic location: 7q31.2.
Variant type: single nucleotide variant.
Coding change: c.1902C>G on transcript NM_000245.4 (MANE Select); coding-DNA position 1902, C replaced by G.
Protein change: p.Phe634Leu; replaces phenylalanine 634 with leucine.
Molecular consequence: missense variant.
Genome position (GRCh38, 1-based): chr7:116,757,476, C>G. VCF-style: chr7-116757476-C-G. GRCh37 (hg19) VCF-style: chr7-116397530-C-G.
Other names: c.1902C>G, p.Phe634Leu (NM_001127500.3, NM_001324401.3); c.612C>G, p.Phe204Leu (NM_001324402.2); short protein forms F204L, F634L.
Identifiers: ClinVar variation 1058604 (VCV001058604.12), dbSNP rs772450441, ClinGen allele CA368979332.
Genomic context (GRCh38, chr7:116,757,476, plus strand): 5'-AACTTTGGGTTTTTTTTCCAGATTGAAATGCACAGTTGGTCCTGCCATGAATAAGCATTT[C>G]AATATGTCCATAATTATTTCAAATGGCCACGGGACAACACAATACAGTACATTCTCCTAT-3'
Protein context (NP_000236.2, residues 624-644): CTVGPAMNKH[Phe634Leu]NMSIIISNGH

ClinVar aggregate classification (germline): Uncertain significance. Review status: criteria provided, multiple submitters, no conflicts (2 of 4 stars). 2 submissions from 2 submitters: Uncertain significance (2). Last evaluated 2026-01-09.

Conditions:
Hereditary cancer-predisposing syndrome. Also called: Neoplastic Syndromes, Hereditary; Hereditary Cancer Syndrome; Hereditary neoplastic syndrome; Tumor predisposition. Identifiers: Orphanet 140162, MedGen C0027672, MeSH D009386, MONDO:0015356.
Renal cell carcinoma. Identifiers: Orphanet 217071, MedGen C0007134, MeSH D002292, MONDO:0005086, HP:0005584.

gnomAD v4.1: 2 of 1,613,662 alleles (0.00012%); highest among the groups gnomAD compares: Non-Finnish European, 0.000085%; no homozygotes.

Submissions (2):

Labcorp Genetics (formerly Invitae), Labcorp
Classification: Uncertain significance for Renal cell carcinoma. Last evaluated: 2026-01-09. Review status: criteria provided, single submitter. Criteria: Invitae Variant Classification Sherloc (09022015). Collection method: clinical testing. Allele origin: germline.
Comment: This sequence change replaces phenylalanine, which is neutral and non-polar, with leucine, which is neutral and non-polar, at codon 634 of the MET protein (p.Phe634Leu). This variant is not present in population databases (gnomAD no frequency). This variant has not been reported in the literature in individuals affected with MET-related conditions. ClinVar contains an entry for this variant (Variation ID: 1058604). An algorithm developed to predict the effect of missense changes on protein structure and function outputs the following: PolyPhen-2: "Benign". The leucine amino acid residue is found in multiple mammalian species, which suggests that this missense change does not adversely affect protein function. In summary, the available evidence is currently insufficient to determine the role of this variant in disease. Therefore, it has been classified as a Variant of Uncertain Significance.

Ambry Genetics
Classification: Uncertain significance for Hereditary cancer-predisposing syndrome. Last evaluated: 2024-09-09. Review status: criteria provided, single submitter. Criteria: Ambry Variant Classification Scheme 2023. Collection method: clinical testing. Allele origin: germline.
Comment: The p.F634L variant (also known as c.1902C>G), located in coding exon 6 of the MET gene, results from a C to G substitution at nucleotide position 1902. The phenylalanine at codon 634 is replaced by leucine, an amino acid with highly similar properties. This amino acid position is well conserved in available vertebrate species. In addition, this alteration is predicted to be tolerated by in silico analysis. Based on the available evidence, the clinical significance of this variant remains unclear.